The following is an entry in ClinVar:

ClinVar aggregate classification (germline): Uncertain significance (1 of 4 stars; one submission).

Conditions:
DLG4-related disorder. Also called: DLG4-related condition.

Submission:

PreventionGenetics, part of Exact Sciences
Classification: Uncertain significance for DLG4-related condition. Last evaluated: 2023-06-05. Review status: criteria provided, single submitter. Criteria: ACMG Guidelines, 2015. Collection method: clinical testing. Allele origin: germline.
Comment: The DLG4 c.338G>A variant is predicted to result in the amino acid substitution p.Arg113Lys. To our knowledge, this variant has not been reported in the literature or in a large population database, indicating this variant is rare. At this time, the clinical significance of this variant is uncertain due to the absence of conclusive functional and genetic evidence.

NM_001321075.3(DLG4):c.209G>A (p.Arg70Lys)

Gene: DLG4 (discs large MAGUK scaffold protein 4; minus strand). Cytogenetic location: 17p13.1.
Variant type: single nucleotide variant.
Coding change: c.209G>A on transcript NM_001321075.3 (MANE Select); coding-DNA position 209, G replaced by A.
Protein change: p.Arg70Lys; replaces arginine 70 with lysine.
Molecular consequence: missense variant. On other transcripts: non-coding transcript variant (1).
Genome position (GRCh38, 1-based): chr17:7,204,009, C>T on the plus strand (G>A on the coding strand, the complement: DLG4 is on the minus strand). VCF-style: chr17-7204009-C-T. GRCh37 (hg19) VCF-style: chr17-7107328-C-T.
Other names: c.200G>A, p.Arg67Lys (NM_001128827.4); c.329G>A, p.Arg110Lys (NM_001321074.1); c.29G>A, p.Arg10Lys (NM_001321076.3, NM_001321077.3); c.338G>A, p.Arg113Lys (NM_001365.5); c.128G>A, p.Arg43Lys (NM_001369566.3); short protein forms R10K, R110K, R113K, R43K, R67K, R70K.
Identifiers: ClinVar variation 2632746 (VCV002632746.1), dbSNP rs2508034347, ClinGen allele CA397720203.